The following is an entry in ClinVar:

NM_000368.5(TSC1):c.1812T>C (p.Tyr604=)

Gene: TSC1 (TSC complex subunit 1; minus strand). Cytogenetic location: 9q34.13.
Variant type: single nucleotide variant.
Coding change: c.1812T>C on transcript NM_000368.5 (MANE Select); coding-DNA position 1812, T replaced by C.
Protein change: p.Tyr604=; no amino-acid change (tyrosine 604 retained).
Molecular consequence: synonymous variant. On other transcripts: non-coding transcript variant (5).
Genome position (GRCh38, 1-based): chr9:132,905,766, A>G on the plus strand (T>C on the coding strand, the complement: TSC1 is on the minus strand). VCF-style: chr9-132905766-A-G. GRCh37 (hg19) VCF-style: chr9-135781153-A-G.
Other names: c.1809T>C, p.Tyr603= (NM_001162426.2, NM_001406597.1, NM_001406598.1 and 6 more transcripts); c.1659T>C, p.Tyr553= (NM_001162427.2, NM_001406610.1); c.1449T>C, p.Tyr483= (NM_001362177.2, NM_001406614.1, NM_001406615.1 and 5 more transcripts); c.1812T>C, p.Tyr604= (NM_001406592.1, NM_001406593.1, NM_001406594.1 and 7 more transcripts); c.1656T>C, p.Tyr552= (NM_001406611.1, NM_001406612.1, NM_001406613.1); c.1446T>C, p.Tyr482= (NM_001406620.1, NM_001406621.1, NM_001406622.1 and 2 more transcripts); c.861T>C, p.Tyr287= (NM_001406626.1); c.858T>C, p.Tyr286= (NM_001406627.1, NM_001406628.1); and 1 more.
Identifiers: ClinVar variation 1780616 (VCV001780616.8), dbSNP rs2131821679, ClinGen allele CA467813193.
Genomic context (GRCh38, chr9:132,905,766, plus strand): 5'-AGTCTTCCTGATGACAAAATGATGGGCTGTCTTTGGCAATGCCACCTCAAAAAGATGATC[A>G]TACGGGGGAGGCTGCCCGCTTCCAAAGCCCACTCTCGTCGGAGGTGGAATTTTACAAGGA-3'
Protein context (NP_000359.1, residues 594-614): VGFGSGQPPP[Tyr604=]DHLFEVALPK

ClinVar aggregate classification (germline): Benign/Likely benign. Review status: criteria provided, multiple submitters, no conflicts (2 of 4 stars). 3 submissions from 3 submitters: Benign (1); Likely benign (2). Last evaluated 2025-04-10.

Conditions:
Hereditary cancer-predisposing syndrome. Also called: Tumor predisposition; Neoplastic Syndromes, Hereditary; Hereditary Cancer Syndrome; Hereditary neoplastic syndrome. Identifiers: Orphanet 140162, MedGen C0027672, MeSH D009386, MONDO:0015356.
Tuberous sclerosis 1 (TSC1). Identifiers: Orphanet 805, MedGen C1854465, MONDO:0008612, OMIM 191100.

Allele frequency attached by ClinVar (database versions not stated): gnomAD exomes below 0.00001.
gnomAD v4.1: 1 of 1,614,232 alleles (0.000062%); highest among the groups gnomAD compares: South Asian, 0.0011%; no homozygotes.

Submissions (3):

Myriad Genetics, Inc.
Classification: Benign for Tuberous sclerosis 1. Last evaluated: 2025-04-10. Review status: criteria provided, single submitter. Criteria: Myriad Autosomal Dominant, Autosomal Recessive and X-Linked Classification Criteria (2023). Collection method: clinical testing. Allele origin: unknown.
Comment: This variant is considered benign. This variant is a silent/synonymous amino acid change and it is not expected to impact splicing.

Labcorp Genetics (formerly Invitae), Labcorp
Classification: Likely benign for Tuberous sclerosis 1. Last evaluated: 2022-12-06. Review status: criteria provided, single submitter. Criteria: Invitae Variant Classification Sherloc (09022015). Collection method: clinical testing. Allele origin: germline.

Ambry Genetics
Classification: Likely benign for Hereditary cancer-predisposing syndrome. Last evaluated: 2021-12-07. Review status: criteria provided, single submitter. Criteria: Ambry Variant Classification Scheme 2023. Collection method: clinical testing. Allele origin: germline.